The following is an entry in ClinVar:

NM_000379.4(XDH):c.3364T>C (p.Tyr1122His)

Gene: XDH (xanthine dehydrogenase; minus strand). Cytogenetic location: 2p23.1.
Variant type: single nucleotide variant.
Coding change: c.3364T>C on transcript NM_000379.4 (MANE Select); coding-DNA position 3364, T replaced by C.
Protein change: p.Tyr1122His; replaces tyrosine 1122 with histidine.
Molecular consequence: missense variant.
Genome position (GRCh38, 1-based): chr2:31,344,724, A>G on the plus strand (T>C on the coding strand, the complement: XDH is on the minus strand). VCF-style: chr2-31344724-A-G. GRCh37 (hg19) VCF-style: chr2-31567590-A-G.
Other names: short protein forms Y1122H.
Identifiers: ClinVar variation 3711668 (VCV003711668.2).

ClinVar aggregate classification (germline): Uncertain significance (1 of 4 stars; one submission).

Conditions:
Xanthinuria type II. Also called: Xanthine dehydrogenase and aldehyde oxidase combined deficiency of; XDH and AOX dual deficiency. Identifiers: Orphanet 3467, Orphanet 93602, MedGen C1863688, MONDO:0011346, OMIM 603592.

gnomAD v4.1: 26 of 1,614,156 alleles (0.0016%); highest among the groups gnomAD compares: South Asian, 0.025%; 1 homozygote.

Submission:

Labcorp Genetics (formerly Invitae), Labcorp
Classification: Uncertain significance for Xanthinuria type II. Last evaluated: 2024-07-13. Review status: criteria provided, single submitter. Criteria: Invitae Variant Classification Sherloc (09022015). Collection method: clinical testing. Allele origin: germline.
Comment: This sequence change replaces tyrosine, which is neutral and polar, with histidine, which is basic and polar, at codon 1122 of the XDH protein (p.Tyr1122His). This variant is present in population databases (rs774815989, gnomAD 0.03%). This variant has not been reported in the literature in individuals affected with XDH-related conditions. An algorithm developed to predict the effect of missense changes on protein structure and function (PolyPhen-2) suggests that this variant is likely to be tolerated. In summary, the available evidence is currently insufficient to determine the role of this variant in disease. Therefore, it has been classified as a Variant of Uncertain Significance.